The following is an entry in ClinVar:

ClinVar aggregate classification (germline): Uncertain significance (1 of 4 stars; one submission).

Conditions:
Kufor-Rakeb syndrome (KRS). Also called: PARKINSON DISEASE 9, AUTOSOMAL RECESSIVE, JUVENILE-ONSET. Identifiers: Orphanet 306674, Orphanet 314632, MedGen C1847640, MONDO:0011706, OMIM 606693.
Autosomal recessive spastic paraplegia type 78. Identifiers: Orphanet 513436, MedGen C5567893, MONDO:0014975, OMIM 617225.

Submission:

Labcorp Genetics (formerly Invitae), Labcorp
Classification: Uncertain significance for Kufor-Rakeb syndrome; Autosomal recessive spastic paraplegia type 78. Last evaluated: 2023-12-07. Review status: criteria provided, single submitter. Criteria: Invitae Variant Classification Sherloc (09022015). Collection method: clinical testing. Allele origin: germline.
Comment: This sequence change replaces alanine, which is neutral and non-polar, with serine, which is neutral and polar, at codon 1062 of the ATP13A2 protein (p.Ala1062Ser). This variant is not present in population databases (gnomAD no frequency). This variant has not been reported in the literature in individuals affected with ATP13A2-related conditions. ClinVar contains an entry for this variant (Variation ID: 1718555). Advanced modeling of protein sequence and biophysical properties (such as structural, functional, and spatial information, amino acid conservation, physicochemical variation, residue mobility, and thermodynamic stability) performed at Invitae indicates that this missense variant is not expected to disrupt ATP13A2 protein function with a negative predictive value of 80%. In summary, the available evidence is currently insufficient to determine the role of this variant in disease. Therefore, it has been classified as a Variant of Uncertain Significance.

NM_022089.4(ATP13A2):c.3184G>T (p.Ala1062Ser)

Gene: ATP13A2 (ATPase cation transporting 13A2; minus strand). Cytogenetic location: 1p36.13.
Variant type: single nucleotide variant.
Coding change: c.3184G>T on transcript NM_022089.4 (MANE Select); coding-DNA position 3184, G replaced by T.
Protein change: p.Ala1062Ser; replaces alanine 1062 with serine.
Molecular consequence: missense variant.
Genome position (GRCh38, 1-based): chr1:16,986,856, C>A on the plus strand (G>T on the coding strand, the complement: ATP13A2 is on the minus strand). VCF-style: chr1-16986856-C-A. GRCh37 (hg19) VCF-style: chr1-17313351-C-A.
Other names: c.3169G>T, p.Ala1057Ser (NM_001141973.3); c.3052G>T, p.Ala1018Ser (NM_001141974.3); short protein forms A1018S, A1057S, A1062S.
Identifiers: ClinVar variation 1718555 (VCV001718555.6), dbSNP rs2522760065, ClinGen allele CA338233454.
Genomic context (GRCh38, chr1:16,986,856, plus strand): 5'-CAGTGGCACCATTGGTGTAGAGCGGCCGGCGGAAGGGCGCCCCCTTGGACACGGCTGCAG[C>A]CAGGATGAGGTACTGGAAGCTGGACAGAGAGAAGACCACGGTGTTCTCGTAGTTGGGCAG-3'
Protein context (NP_071372.1, residues 1052-1072): SLSSFQYLIL[Ala1062Ser]AAVSKGAPFR